The following is an entry in ClinVar:

NM_000260.4(MYO7A):c.482G>A (p.Gly161Glu)

Gene: MYO7A (myosin VIIA; plus strand). Cytogenetic location: 11q13.5.
Variant type: single nucleotide variant.
Coding change: c.482G>A on transcript NM_000260.4 (MANE Select); coding-DNA position 482, G replaced by A.
Protein change: p.Gly161Glu; replaces glycine 161 with glutamic acid.
Molecular consequence: missense variant.
Genome position (GRCh38, 1-based): chr11:77,156,671, G>A. VCF-style: chr11-77156671-G-A. GRCh37 (hg19) VCF-style: chr11-76867717-G-A.
Other names: c.482G>A, p.Gly161Glu (NM_001127180.2); c.449G>A, p.Gly150Glu (NM_001369365.1); short protein forms G150E, G161E.
Identifiers: ClinVar variation 3768800 (VCV003768800.1).

ClinVar aggregate classification (germline): Uncertain significance (1 of 4 stars; one submission).

gnomAD v4.1: 1 of 1,613,900 alleles (0.000062%); highest among the groups gnomAD compares: Non-Finnish European, 0.000085%; no homozygotes.

Submission:

Women's Health and Genetics/Laboratory Corporation of America, LabCorp
Classification: Uncertain significance. Last evaluated: 2025-02-03. Review status: criteria provided, single submitter. Criteria: LabCorp Variant Classification Summary - May 2015. Collection method: clinical testing. Allele origin: germline.
Comment: Variant summary: MYO7A c.482G>A (p.Gly161Glu) results in a non-conservative amino acid change located in the Myosin head, motor domain-like domain (IPR001609) of the encoded protein sequence. Five of five in-silico tools predict a damaging effect of the variant on protein function. The variant was absent in 249234 control chromosomes. c.482G>A has been reported in the literature in at least two compound heterozygous individuals affected with Usher Syndrome (e.g. Mansard_2021). These data indicate that the variant may be associated with disease. To our knowledge, no experimental evidence demonstrating an impact on protein function has been reported. The following publication have been ascertained in the context of this evaluation (PMID: 34948090). No submitters have cited clinical-significance assessments for this variant to ClinVar. Based on the evidence outlined above, the variant was classified as VUS-possibly pathogenic.

Literature cited by the submitters: PubMed 34948090.